The following is an entry in ClinVar:

ClinVar aggregate classification (germline): Uncertain significance (1 of 4 stars; one submission).

Conditions:
Hereditary cancer-predisposing syndrome. Also called: Neoplastic Syndromes, Hereditary; Tumor predisposition; Hereditary Cancer Syndrome; Hereditary neoplastic syndrome. Identifiers: Orphanet 140162, MedGen C0027672, MeSH D009386, MONDO:0015356.

Submission:

Ambry Genetics
Classification: Uncertain significance for Hereditary cancer-predisposing syndrome. Last evaluated: 2023-12-23. Review status: criteria provided, single submitter. Criteria: Ambry Variant Classification Scheme 2023. Collection method: clinical testing. Allele origin: germline.
Comment: The p.S595P variant (also known as c.1783T>C), located in coding exon 6 of the BLM gene, results from a T to C substitution at nucleotide position 1783. The serine at codon 595 is replaced by proline, an amino acid with similar properties. This amino acid position is well conserved in available vertebrate species. In addition, this alteration is predicted to be tolerated by in silico analysis. Since supporting evidence is limited at this time, the clinical significance of this alteration remains unclear.

NM_000057.4(BLM):c.1783T>C (p.Ser595Pro)

Gene: BLM (BLM RecQ like helicase; plus strand). Cytogenetic location: 15q26.1.
Variant type: single nucleotide variant.
Coding change: c.1783T>C on transcript NM_000057.4 (MANE Select); coding-DNA position 1783, T replaced by C.
Protein change: p.Ser595Pro; replaces serine 595 with proline.
Molecular consequence: missense variant.
Genome position (GRCh38, 1-based): chr15:90,761,156, T>C. VCF-style: chr15-90761156-T-C. GRCh37 (hg19) VCF-style: chr15-91304386-T-C.
Other names: c.1783T>C, p.Ser595Pro (NM_001287246.2, NM_001287247.2); c.658T>C, p.Ser220Pro (NM_001287248.2); short protein forms S220P, S595P.
Identifiers: ClinVar variation 1780052 (VCV001780052.2), dbSNP rs2505429046, ClinGen allele CA393843834.